The following is an entry in ClinVar:

ClinVar aggregate classification (germline): Conflicting classifications of pathogenicity. Review status: criteria provided, conflicting classifications (1 of 4 stars). 4 submissions from 4 submitters: Uncertain significance (3); Likely benign (1). Last evaluated 2026-09-14.

Conditions:
Long QT syndrome 11 (LQT11). Identifiers: Orphanet 101016, Orphanet 768, MedGen C2678483, MONDO:0012738, OMIM 611820.
Cardiovascular phenotype. Identifiers: MedGen CN230736.
Long QT syndrome (LQTS). Identifiers: MedGen C0023976, MeSH D008133, MONDO:0002442. Disease mechanism: loss of function. Inheritance: Various modes of inheritance.

Allele frequency attached by ClinVar (database versions not stated): gnomAD 0.00004 and 0.00005; TOPMed 0.00002; gnomAD exomes 0.00003; ExAC 0.00006.
gnomAD v4.1: 33 of 1,613,544 alleles (0.002%); highest among the groups gnomAD compares: Middle Eastern, 0.033%; no homozygotes.

Submissions (4):

GeneDx
Classification: Uncertain significance. Last evaluated: 2026-09-14. Review status: criteria provided, single submitter. Criteria: GeneDx Variant Classification Process June 2021. Collection method: clinical testing. Allele origin: germline.
Comment: Has not been previously published as pathogenic or benign to our knowledge; In silico analysis supports that this missense variant has a deleterious effect on protein structure/function; Variants in candidate genes are classified as variants of uncertain significance in accordance with ACMG guidelines (PMID: 25741868)

Labcorp Genetics (formerly Invitae), Labcorp
Classification: Uncertain significance for Long QT syndrome. Last evaluated: 2025-09-11. Review status: criteria provided, single submitter. Criteria: Invitae Variant Classification Sherloc (09022015). Collection method: clinical testing. Allele origin: germline.
Comment: This sequence change replaces arginine, which is basic and polar, with tryptophan, which is neutral and slightly polar, at codon 1614 of the AKAP9 protein (p.Arg1614Trp). This variant is present in population databases (rs772669837, gnomAD 0.01%). This variant has not been reported in the literature in individuals affected with AKAP9-related conditions. ClinVar contains an entry for this variant (Variation ID: 546501). An algorithm developed to predict the effect of missense changes on protein structure and function (PolyPhen-2) suggests that this variant is likely to be disruptive. In summary, the available evidence is currently insufficient to determine the role of this variant in disease. Therefore, it has been classified as a Variant of Uncertain Significance.

Ambry Genetics
Classification: Likely benign for Cardiovascular phenotype. Last evaluated: 2022-09-26. Review status: criteria provided, single submitter. Criteria: Ambry Variant Classification Scheme 2023. Collection method: clinical testing. Allele origin: germline.

Fulgent Genetics
Classification: Uncertain significance for Long QT syndrome 11. Last evaluated: 2021-08-23. Review status: criteria provided, single submitter. Criteria: ACMG Guidelines, 2015. Collection method: clinical testing. Allele origin: unknown.

NM_005751.5(AKAP9):c.4840C>T (p.Arg1614Trp)

Gene: AKAP9 (A-kinase anchoring protein 9; plus strand). Cytogenetic location: 7q21.2.
Variant type: single nucleotide variant.
Coding change: c.4840C>T on transcript NM_005751.5 (MANE Select); coding-DNA position 4840, C replaced by T.
Protein change: p.Arg1614Trp; replaces arginine 1614 with tryptophan.
Molecular consequence: missense variant.
Genome position (GRCh38, 1-based): chr7:92,040,821, C>T. VCF-style: chr7-92040821-C-T. GRCh37 (hg19) VCF-style: chr7-91670135-C-T.
Other names: c.4840C>T, p.Arg1614Trp (NM_147185.3); short protein forms R1614W.
Identifiers: ClinVar variation 546501 (VCV000546501.18), dbSNP rs772669837, ClinGen allele CA4336664.